The following is an entry in ClinVar:

ClinVar aggregate classification (germline): Uncertain significance. Review status: criteria provided, single submitter (1 of 4 stars). 2 submissions from 2 submitters: Uncertain significance (1). 1 of the submissions does not count toward it. Last evaluated 2024-10-28.

Conditions:
Autosomal recessive congenital ichthyosis 5 (ARCI5). Also called: Ichthyosis, nonlamellar and nonerythrodermic, congenital, autosomal recessive; ICHTHYOSIS CONGENITA III. Identifiers: Orphanet 313, MedGen C1858133, MONDO:0011485, OMIM 604777.

Allele frequency attached by ClinVar (database versions not stated): TOPMed 0.00002.

Submissions (2):

Women's Health and Genetics/Laboratory Corporation of America, LabCorp
Classification: Uncertain significance. Last evaluated: 2024-10-28. Review status: criteria provided, single submitter. Criteria: LabCorp Variant Classification Summary - May 2015. Collection method: clinical testing. Allele origin: germline.
Comment: Variant summary: CYP4F22 c.912C>A (p.Asp304Glu) results in a conservative amino acid change in the encoded protein sequence. Four of five in-silico tools predict a damaging effect of the variant on protein function. The variant was absent in 248052 control chromosomes. The available data on variant occurrences in the general population are insufficient to allow any conclusion about variant significance. c.912C>A has been reported in the literature in an individual affected with Lamellar Ichthyosis (Hotz_2018, Hake_2022). These report(s) do not provide unequivocal conclusions about association of the variant with Lamellar Ichthyosis. To our knowledge, no experimental evidence demonstrating an impact on protein function has been reported. The following publications have been ascertained in the context of this evaluation (PMID: 34908195, 30011118). ClinVar contains an entry for this variant (Variation ID: 560323). Based on the evidence outlined above, the variant was classified as uncertain significance.

Institute for Human Genetics, University Medical Center Freiburg
Classification: Pathogenic for Autosomal recessive congenital ichthyosis 5. Last evaluated: 2018-04-23. Review status: no assertion criteria provided. Collection method: clinical testing. Allele origin: germline. Affected: yes. Not counted in ClinVar's aggregate classification.

Literature cited by the submitters: PubMed 30011118 (cited by Women's Health and Genetics/Laboratory Corporation of America, LabCorp and Institute for Human Genetics, University Medical Center Freiburg); PubMed 34908195 (cited by Women's Health and Genetics/Laboratory Corporation of America, LabCorp).

NM_173483.4(CYP4F22):c.912C>A (p.Asp304Glu)

Gene: CYP4F22 (cytochrome P450 family 4 subfamily F member 22; plus strand). Cytogenetic location: 19p13.12.
Variant type: single nucleotide variant.
Coding change: c.912C>A on transcript NM_173483.4 (MANE Select); coding-DNA position 912, C replaced by A.
Protein change: p.Asp304Glu; replaces aspartic acid 304 with glutamic acid.
Molecular consequence: missense variant.
Genome position (GRCh38, 1-based): chr19:15,540,690, C>A. VCF-style: chr19-15540690-C-A. GRCh37 (hg19) VCF-style: chr19-15651501-C-A.
Other names: short protein forms D304E.
Identifiers: ClinVar variation 560323 (VCV000560323.3), dbSNP rs1159994392, ClinGen allele CA404536324.